The following is an entry in ClinVar:

NM_006618.5(KDM5B):c.1436T>C (p.Ile479Thr)

Gene: KDM5B (lysine demethylase 5B; minus strand). Cytogenetic location: 1q32.1.
Variant type: single nucleotide variant.
Coding change: c.1436T>C on transcript NM_006618.5 (MANE Select); coding-DNA position 1436, T replaced by C.
Protein change: p.Ile479Thr; replaces isoleucine 479 with threonine.
Molecular consequence: missense variant.
Genome position (GRCh38, 1-based): chr1:202,755,373, A>G on the plus strand (T>C on the coding strand, the complement: KDM5B is on the minus strand). VCF-style: chr1-202755373-A-G. GRCh37 (hg19) VCF-style: chr1-202724501-A-G.
Other names: c.1544T>C, p.Ile515Thr (NM_001314042.2); c.1301T>C, p.Ile434Thr (NM_001347591.2); c.1421T>C, p.Ile474Thr (NM_001399817.1); c.1436T>C (NM_006618.3); short protein forms I434T, I479T, I515T, I474T.
Identifiers: ClinVar variation 1335011 (VCV001335011.38), dbSNP rs2102262030, ClinGen allele CA344270650.

ClinVar aggregate classification (germline): Conflicting classifications of pathogenicity. Review status: criteria provided, conflicting classifications (1 of 4 stars). 2 submissions from 2 submitters: Likely pathogenic (1); Uncertain significance (1). Last evaluated 2026-09-25.

Allele frequency attached by ClinVar (database versions not stated): gnomAD exomes below 0.00001.
gnomAD v4.1: 3 of 1,614,006 alleles (0.00019%); highest among the groups gnomAD compares: Non-Finnish European, 0.00017%; no homozygotes.

Submissions (2):

GeneDx
Classification: Likely pathogenic. Last evaluated: 2026-09-25. Review status: criteria provided, single submitter. Criteria: GeneDx Variant Classification Process June 2021. Collection method: clinical testing. Allele origin: germline.
Comment: Identified as an assumed de novo variant (as p.I515T using alternative nomeclature) in a child with developmental delay and seizures (PMID: 30409806); Not observed at significant frequency in large population cohorts (gnomAD); In silico analysis supports that this missense variant has a deleterious effect on protein structure/function; This variant is associated with the following publications: (PMID: 30409806, 33057194, 35982159)

CeGaT Center for Human Genetics Tuebingen
Classification: Uncertain significance. Last evaluated: 2021-12-01. Review status: criteria provided, single submitter. Criteria: CeGaT Center For Human Genetics Tuebingen Variant Classification Criteria Version 2. Collection method: clinical testing. Allele origin: germline. Affected: yes. Observed: 1 variant allele.